The following is an entry in ClinVar:

NM_016222.4(DDX41):c.916C>T (p.Gln306Ter)

Gene: DDX41 (DEAD-box helicase 41; minus strand). Cytogenetic location: 5q35.3.
Variant type: single nucleotide variant.
Coding change: c.916C>T on transcript NM_016222.4 (MANE Select); coding-DNA position 916, C replaced by T.
Protein change: p.Gln306Ter; replaces glutamine 306 with a stop codon.
Molecular consequence: nonsense.
Genome position (GRCh38, 1-based): chr5:177,514,720, G>A on the plus strand (C>T on the coding strand, the complement: DDX41 is on the minus strand). VCF-style: chr5-177514720-G-A. GRCh37 (hg19) VCF-style: chr5-176941721-G-A.
Other names: c.538C>T, p.Gln180Ter (NM_001321732.2, NM_001321830.2); c.916C>T (NM_016222.2); short protein forms Q180*, Q306*.
Identifiers: ClinVar variation 1076947 (VCV001076947.8), dbSNP rs2127436963, ClinGen allele CA362374678.

ClinVar aggregate classification (germline): Pathogenic. Review status: criteria provided, multiple submitters, no conflicts (2 of 4 stars). 2 submissions from 2 submitters: Pathogenic (2). Last evaluated 2025-03-13.

Submissions (2):

GeneDx
Classification: Pathogenic. Last evaluated: 2025-03-13. Review status: criteria provided, single submitter. Criteria: GeneDx Variant Classification Process June 2021. Collection method: clinical testing. Allele origin: germline. Affected: yes.
Comment: Nonsense variant predicted to result in protein truncation or nonsense mediated decay in a gene for which loss of function is a known mechanism of disease; Not observed at significant frequency in large population cohorts (gnomAD); This variant is associated with the following publications: (PMID: 36672294, 38572560, 35671390)

Labcorp Genetics (formerly Invitae), Labcorp
Classification: Pathogenic. Last evaluated: 2020-03-25. Review status: criteria provided, single submitter. Criteria: Invitae Variant Classification Sherloc (09022015). Collection method: clinical testing. Allele origin: germline.
Comment: For these reasons, this variant has been classified as Pathogenic. Loss-of-function variants in DDX41 are known to be pathogenic (PMID: 26712909, 27133828). This sequence change creates a premature translational stop signal (p.Gln306*) in the DDX41 gene. It is expected to result in an absent or disrupted protein product. This variant is not present in population databases (ExAC no frequency). This variant has not been reported in the literature in individuals with DDX41-related conditions.

Literature cited by the submitters: PubMed 26712909 (cited by Labcorp Genetics (formerly Invitae), Labcorp); PubMed 27133828 (cited by Labcorp Genetics (formerly Invitae), Labcorp).